The following is an entry in ClinVar:

GRCh37/hg19 2p22.3(chr2:32339736-32875274)

Genes: BIRC6 (baculoviral IAP repeat containing 6; plus strand), NLRC4 (NLR family CARD domain containing 4; minus strand), SLC30A6 (solute carrier family 30 member 6; plus strand), SPAST (spastin; plus strand), TTC27 (tetratricopeptide repeat domain 27; plus strand) and 1 more. Cytogenetic location: 2p22.3.
Variant type: copy number loss.
Identifiers: ClinVar variation 625542 (VCV000625542.1).

ClinVar aggregate classification (germline): Pathogenic (1 of 4 stars; one submission).

Submission:

Baylor Genetics
Classification: Pathogenic. Last evaluated: 2018-11-01. Review status: criteria provided, single submitter. Criteria: ACMG CNV Guidelines, 2011. Collection method: clinical testing. Allele origin: germline. Observed: 1 variant allele.